The following is an entry in ClinVar:

NM_003072.5(SMARCA4):c.1943+67G>A

Gene: SMARCA4 (SWI/SNF related BAF chromatin remodeling complex subunit ATPase 4; plus strand). Cytogenetic location: 19p13.2.
Variant type: single nucleotide variant.
Coding change: c.1943+67G>A on transcript NM_003072.5 (MANE Select); 67 bases into the intron after coding-DNA position 1943, G replaced by A.
Molecular consequence: intron variant.
Genome position (GRCh38, 1-based): chr19:11,003,226, G>A. VCF-style: chr19-11003226-G-A. GRCh37 (hg19) VCF-style: chr19-11113902-G-A.
Other names: c.1943+67G>A (NM_001128844.3, NM_001128849.3, NM_001128847.4 and 5 more transcripts).
Identifiers: ClinVar variation 676516 (VCV000676516.2), dbSNP rs2288844, ClinGen allele CA14635542.

ClinVar aggregate classification (germline): Benign. Review status: criteria provided, multiple submitters, no conflicts (2 of 4 stars). 2 submissions from 2 submitters: Benign (2). Last evaluated 2018-06-15.

Allele frequency attached by ClinVar (database versions not stated): TOPMed 0.18606; 1000 Genomes Project 30x 0.18785; 1000 Genomes Project 0.19329; gnomAD 0.19415 and 0.19848.
gnomAD v4.1: 385,054 of 1,610,610 alleles (24%); highest among the groups gnomAD compares: South Asian, 32%; 47,838 homozygotes.

Submissions (2):

GeneDx
Classification: Benign. Last evaluated: 2018-06-15. Review status: criteria provided, single submitter. Criteria: GeneDx Variant Classification (06012015). Collection method: clinical testing. Allele origin: germline. Affected: yes.
Comment: This variant is considered likely benign or benign based on one or more of the following criteria: it is a conservative change, it occurs at a poorly conserved position in the protein, it is predicted to be benign by multiple in silico algorithms, and/or has population frequency not consistent with disease.

Breakthrough Genomics
Classification: Benign. Review status: criteria provided, single submitter. Criteria: ACMG Guidelines, 2015. Collection method: not provided. Allele origin: germline. Inheritance: Autosomal dominant inheritance. Affected: yes.